The following is an entry in ClinVar:

ClinVar aggregate classification (germline): Uncertain significance (1 of 4 stars; one submission).

gnomAD v4.1: 14 of 1,610,980 alleles (0.00087%); highest among the groups gnomAD compares: Admixed American, 0.0017%; no homozygotes.

Submission:

Labcorp Genetics (formerly Invitae), Labcorp
Classification: Uncertain significance. Last evaluated: 2025-10-03. Review status: criteria provided, single submitter. Criteria: Invitae Variant Classification Sherloc (09022015). Collection method: clinical testing. Allele origin: germline.
Comment: This sequence change replaces threonine, which is neutral and polar, with isoleucine, which is neutral and non-polar, at codon 466 of the PHF21A protein (p.Thr466Ile). This variant is present in population databases (rs371948562, gnomAD 0.003%). This variant has not been reported in the literature in individuals affected with PHF21A-related conditions. An algorithm developed to predict the effect of missense changes on protein structure and function (PolyPhen-2) suggests that this variant is likely to be tolerated. In summary, the available evidence is currently insufficient to determine the role of this variant in disease. Therefore, it has been classified as a Variant of Uncertain Significance.

NM_001352027.3(PHF21A):c.1400C>T (p.Thr467Ile)

Gene: PHF21A (PHD finger protein 21A; minus strand). Cytogenetic location: 11p11.2.
Variant type: single nucleotide variant.
Coding change: c.1400C>T on transcript NM_001352027.3 (MANE Select); coding-DNA position 1400, C replaced by T.
Protein change: p.Thr467Ile; replaces threonine 467 with isoleucine.
Molecular consequence: missense variant. On other transcripts: non-coding transcript variant (1), intron variant (6).
Genome position (GRCh38, 1-based): chr11:45,945,892, G>A on the plus strand (C>T on the coding strand, the complement: PHF21A is on the minus strand). VCF-style: chr11-45945892-G-A. GRCh37 (hg19) VCF-style: chr11-45967443-G-A.
Other names: c.1397C>T, p.Thr466Ile (NM_001101802.3, NM_001441171.1); c.1400C>T, p.Thr467Ile (NM_001352025.3, NM_001352026.3, NM_001441170.1); c.1421C>T, p.Thr474Ile (NM_001441167.1, NM_001441168.1); c.1418C>T, p.Thr473Ile (NM_001441169.1); c.1148C>T, p.Thr383Ile (NM_001441172.1); c.1308+184C>T (NM_001352030.3, NM_001352031.3, NM_001352032.3); c.1311+184C>T (NM_016621.5, NM_001352028.1, NM_001352029.1); short protein forms T383I, T474I, T467I, T473I, T466I.
Identifiers: ClinVar variation 4761391 (VCV004761391.1).